The following is an entry in ClinVar:

NM_002382.5(MAX):c.331C>A (p.Leu111Met)

Gene: MAX (MYC associated transcriptional regulator X; minus strand). Cytogenetic location: 14q23.3.
Variant type: single nucleotide variant.
Coding change: c.331C>A on transcript NM_002382.5 (MANE Select); coding-DNA position 331, C replaced by A.
Protein change: p.Leu111Met; replaces leucine 111 with methionine.
Molecular consequence: missense variant. On other transcripts: 3 prime UTR variant (1), intron variant (2).
Genome position (GRCh38, 1-based): chr14:65,076,628, G>T on the plus strand (C>A on the coding strand, the complement: MAX is on the minus strand). VCF-style: chr14-65076628-G-T. GRCh37 (hg19) VCF-style: chr14-65543346-G-T.
Other names: c.304C>A, p.Leu102Met (NM_145112.3, NM_001407095.1); c.*120C>A (NM_145113.3, NM_001407097.1, NM_001407100.1 and 4 more transcripts); c.144+17080C>A (NM_001271069.2); c.171+17080C>A (NM_197957.4); c.142C>A, p.Leu48Met (NM_001320415.2, NM_001407105.1, NM_001407106.1 and 1 more transcripts); c.331C>A, p.Leu111Met (NM_001407094.1); c.*104C>A (NM_001407096.1, NM_001407099.1, NM_001407102.1 and 2 more transcripts); c.223C>A, p.Leu75Met (NM_001407098.1); and 1 more; short protein forms L102M, L44M, L48M, L75M, L111M.
Identifiers: ClinVar variation 1730176 (VCV001730176.5), dbSNP rs748675729, ClinGen allele CA390031871.

ClinVar aggregate classification (germline): Uncertain significance. Review status: criteria provided, multiple submitters, no conflicts (2 of 4 stars). 2 submissions from 2 submitters: Uncertain significance (2). Last evaluated 2026-01-07.

Conditions:
Hereditary cancer-predisposing syndrome. Also called: Neoplastic Syndromes, Hereditary; Tumor predisposition; Hereditary Cancer Syndrome; Hereditary neoplastic syndrome. Identifiers: Orphanet 140162, MedGen C0027672, MeSH D009386, MONDO:0015356.
Hereditary pheochromocytoma and paraganglioma. Also called: Hereditary pheochromocytoma-paraganglioma; Hereditary paragangliomas and pheochromocytomas; Hereditary Paraganglioma-Pheochromocytoma Syndromes. Identifiers: Orphanet 29072, MedGen C4274332, MONDO:0017366.

Submissions (2):

Labcorp Genetics (formerly Invitae), Labcorp
Classification: Uncertain significance for Hereditary pheochromocytoma and paraganglioma. Last evaluated: 2026-01-07. Review status: criteria provided, single submitter. Criteria: Invitae Variant Classification Sherloc (09022015). Collection method: clinical testing. Allele origin: germline.
Comment: This sequence change replaces leucine, which is neutral and non-polar, with methionine, which is neutral and non-polar, at codon 111 of the MAX protein (p.Leu111Met). This variant is not present in population databases (gnomAD no frequency). This variant has not been reported in the literature in individuals affected with MAX-related conditions. ClinVar contains an entry for this variant (Variation ID: 1730176). An algorithm developed to predict the effect of missense changes on protein structure and function (PolyPhen-2) suggests that this variant is likely to be tolerated. In summary, the available evidence is currently insufficient to determine the role of this variant in disease. Therefore, it has been classified as a Variant of Uncertain Significance.

Ambry Genetics
Classification: Uncertain significance for Hereditary cancer-predisposing syndrome. Last evaluated: 2022-05-29. Review status: criteria provided, single submitter. Criteria: Ambry Variant Classification Scheme 2023. Collection method: clinical testing. Allele origin: germline.
Comment: The p.L111M variant (also known as c.331C>A), located in coding exon 5 of the MAX gene, results from a C to A substitution at nucleotide position 331. The leucine at codon 111 is replaced by methionine, an amino acid with highly similar properties. This amino acid position is conserved. In addition, the in silico prediction for this alteration is inconclusive. Since supporting evidence is limited at this time, the clinical significance of this alteration remains unclear.